The following is an entry in ClinVar:

ClinVar aggregate classification (germline): Pathogenic/Likely pathogenic. Review status: criteria provided, multiple submitters, no conflicts (2 of 4 stars). 3 submissions from 3 submitters: Pathogenic (2); Likely pathogenic (1). Last evaluated 2025-09-27.

Conditions:
Birt-Hogg-Dube syndrome. Also called: Birt Hogg Dubé syndrome. Identifiers: Orphanet 122, MedGen C0346010, MONDO:0800444.

Submissions (3):

Labcorp Genetics (formerly Invitae), Labcorp
Classification: Pathogenic for Birt-Hogg-Dube syndrome. Last evaluated: 2025-09-27. Review status: criteria provided, single submitter. Criteria: Invitae Variant Classification Sherloc (09022015). Collection method: clinical testing. Allele origin: germline.
Comment: This sequence change creates a premature translational stop signal (p.Ser267Valfs*27) in the FLCN gene. It is expected to result in an absent or disrupted protein product. Loss-of-function variants in FLCN are known to be pathogenic (PMID: 15852235). This variant is not present in population databases (gnomAD no frequency). This variant has not been reported in the literature in individuals affected with FLCN-related conditions. ClinVar contains an entry for this variant (Variation ID: 2573267). For these reasons, this variant has been classified as Pathogenic.

Mayo Clinic Laboratories, Mayo Clinic
Classification: Likely pathogenic. Last evaluated: 2024-05-01. Review status: criteria provided, single submitter. Criteria: ACMG Guidelines, 2015. Collection method: clinical testing. Allele origin: germline. Observed: 1 variant allele.
Comment: PM2, PVS1

Myriad Genetics, Inc.
Classification: Pathogenic for Birt-Hogg-Dube syndrome 1. Last evaluated: 2023-04-10. Review status: criteria provided, single submitter. Criteria: Myriad Autosomal Dominant, Autosomal Recessive and X-Linked Classification Criteria (2023). Collection method: clinical testing. Allele origin: unknown.
Comment: This variant is considered pathogenic. This variant creates a frameshift predicted to result in premature protein truncation.

Literature cited by the submitters: PubMed 15852235 (cited by Labcorp Genetics (formerly Invitae), Labcorp).

NM_144997.7(FLCN):c.792_798dup (p.Ser267fs)

Gene: FLCN (folliculin; minus strand). Cytogenetic location: 17p11.2.
Variant type: Duplication.
Coding change: c.792_798dup on transcript NM_144997.7 (MANE Select); coding-DNA positions 792 to 798, 7 bases duplicated (GTGTGGC; older notation c.792_798dupGTGTGGC).
Protein change: p.Ser267fs; shifts the reading frame from serine 267.
Molecular consequence: frameshift variant.
Genome position (GRCh38, 1-based): chr17:17,221,610-17,221,616, GCCACAC duplicated on the plus strand (GTGTGGC on the coding strand, the reverse complement: FLCN is on the minus strand); duplicating any 7 consecutive bases within chr17:17,221,610-17,221,619 gives the same sequence; the c. name uses the placement nearest the transcript's 3' end. VCF-style (leftmost placement, unchanged base first): chr17-17221609-T-TGCCACAC. GRCh37 (hg19) VCF-style: chr17-17124923-T-TGCCACAC.
Other names: p.Ser267Valfs*27; c.846_852dup, p.Ser285fs (NM_001353229.2); c.792_798dup, p.Ser267fs (NM_001353230.2, NM_001353231.2, NM_144606.7); short protein forms S267fs, S285fs.
Identifiers: ClinVar variation 2573267 (VCV002573267.3), dbSNP rs2544221196, ClinGen allele CA498163767.
Genomic context (GRCh38, chr17:17,221,609, plus strand): 5'-CCATCTGGACCAAGGTATCCTCGGTCGGAGCACCTTCCAGGAGCTTCTCGGTCAGCCGGC[T>TGCCACAC]GCCACACGCCTTCAGGAGCCTGGAGAACACAGCACCAGCTATGAGCGTTCTCGCCAAAGG-3'